The following is an entry in ClinVar:

NM_000377.3(WAS):c.412C>T (p.Arg138Trp)

Gene: WAS (WASP actin nucleation promoting factor; plus strand). Cytogenetic location: Xp11.23.
Variant type: single nucleotide variant.
Coding change: c.412C>T on transcript NM_000377.3 (MANE Select); coding-DNA position 412, C replaced by T.
Protein change: p.Arg138Trp; replaces arginine 138 with tryptophan.
Molecular consequence: missense variant.
Genome position (GRCh38, 1-based): chrX:48,685,785, C>T. VCF-style: chrX-48685785-C-T. GRCh37 (hg19) VCF-style: chrX-48544174-C-T.
Other names: short protein forms R138W.
Identifiers: ClinVar variation 967135 (VCV000967135.9), dbSNP rs1372273668, ClinGen allele CA412867835.

ClinVar aggregate classification (germline): Uncertain significance (1 of 4 stars; one submission).

Conditions:
Thrombocytopenia 1. Also called: X-linked thrombocytopenia with normal platelets; X-Linked Thrombocytopenia (XLT); THROMBOCYTOPENIA, X-LINKED, 1. Identifiers: Orphanet 268322, Orphanet 852, MedGen C1839163, MONDO:0010743, OMIM 313900.
X-linked severe congenital neutropenia (SCNX). Identifiers: Orphanet 86788, MedGen C1845987, MONDO:0010294, OMIM 300299.
Wiskott-Aldrich syndrome (WAS). Also called: ALDRICH SYNDROME; IMMUNODEFICIENCY 2; WISKOTT-ALDRICH SYNDROME 1; Wiskott-aldrich syndrome, somatic. Identifiers: Orphanet 906, MedGen C0043194, MONDO:0010518, OMIM 301000.

Allele frequency attached by ClinVar (database versions not stated): gnomAD exomes below 0.00001; TOPMed 0.00002.

Submission:

Labcorp Genetics (formerly Invitae), Labcorp
Classification: Uncertain significance for Wiskott-Aldrich syndrome; X-linked severe congenital neutropenia; Thrombocytopenia 1. Last evaluated: 2024-11-05. Review status: criteria provided, single submitter. Criteria: Invitae Variant Classification Sherloc (09022015). Collection method: clinical testing. Allele origin: germline.
Comment: This sequence change replaces arginine, which is basic and polar, with tryptophan, which is neutral and slightly polar, at codon 138 of the WAS protein (p.Arg138Trp). This variant is not present in population databases (gnomAD no frequency). This variant has not been reported in the literature in individuals affected with WAS-related conditions. ClinVar contains an entry for this variant (Variation ID: 967135). Invitae Evidence Modeling of protein sequence and biophysical properties (such as structural, functional, and spatial information, amino acid conservation, physicochemical variation, residue mobility, and thermodynamic stability) indicates that this missense variant is not expected to disrupt WAS protein function with a negative predictive value of 80%. In summary, the available evidence is currently insufficient to determine the role of this variant in disease. Therefore, it has been classified as a Variant of Uncertain Significance.